The following is an entry in ClinVar:

ClinVar aggregate classification (germline): Uncertain significance (1 of 4 stars; one submission).

Conditions:
Familial cancer of breast. Also called: Hereditary breast cancer; BREAST CANCER, FAMILIAL; hereditary breast carcinoma. Identifiers: Orphanet 227535, MedGen C0346153, MONDO:0016419, OMIM 114480. Disease mechanism: loss of function.

Submission:

MGZ Medical Genetics Center
Classification: Uncertain significance for Familial cancer of breast. Last evaluated: 2021-09-15. Review status: criteria provided, single submitter. Criteria: ACMG Guidelines, 2015. Collection method: clinical testing. Allele origin: germline. Affected: yes. Observed: 1 variant allele.
Comment: ACMG criteria applied: PM2_SUP

NM_000051.4(ATM):c.359T>G (p.Leu120Arg)

Gene: ATM (ATM serine/threonine kinase; plus strand). Cytogenetic location: 11q22.3.
Variant type: single nucleotide variant.
Coding change: c.359T>G on transcript NM_000051.4 (MANE Select); coding-DNA position 359, T replaced by G.
Protein change: p.Leu120Arg; replaces leucine 120 with arginine.
Molecular consequence: missense variant.
Genome position (GRCh38, 1-based): chr11:108,235,697, T>G. VCF-style: chr11-108235697-T-G. GRCh37 (hg19) VCF-style: chr11-108106424-T-G.
Other names: c.359T>G, p.Leu120Arg (NM_001351834.2); short protein forms L120R.
Identifiers: ClinVar variation 1709910 (VCV001709910.2), dbSNP rs1555059081, ClinGen allele CA382524676.